The following is an entry in ClinVar:

ClinVar aggregate classification (germline): Uncertain significance. Review status: criteria provided, multiple submitters, no conflicts (2 of 4 stars). 2 submissions from 2 submitters: Uncertain significance (2). Last evaluated 2024-11-11.

Conditions:
Charcot-Marie-Tooth disease type 2. Also called: Charcot-Marie-Tooth type 2. Identifiers: Orphanet 64746, MedGen C0270914, MONDO:0018993.

gnomAD v4.1: 3 of 1,614,064 alleles (0.00019%); highest among the groups gnomAD compares: Non-Finnish European, 0.00025%; no homozygotes.

Submissions (2):

Ambry Genetics
Classification: Uncertain significance. Last evaluated: 2024-11-11. Review status: criteria provided, single submitter. Criteria: Ambry Variant Classification Scheme 2023. Collection method: clinical testing. Allele origin: germline.
Comment: The p.T187I variant (also known as c.560C>T), located in coding exon 5 of the KIF1B gene, results from a C to T substitution at nucleotide position 560. The threonine at codon 187 is replaced by isoleucine, an amino acid with similar properties. This amino acid position is highly conserved in available vertebrate species. In addition, this alteration is predicted to be deleterious by in silico analysis. The evidence for this gene-disease relationship is limited; therefore, the clinical significance of this alteration is unclear.

Labcorp Genetics (formerly Invitae), Labcorp
Classification: Uncertain significance for Charcot-Marie-Tooth disease type 2. Last evaluated: 2024-02-15. Review status: criteria provided, single submitter. Criteria: Invitae Variant Classification Sherloc (09022015). Collection method: clinical testing. Allele origin: germline.
Comment: This sequence change replaces threonine, which is neutral and polar, with isoleucine, which is neutral and non-polar, at codon 187 of the KIF1B protein (p.Thr187Ile). This variant is not present in population databases (gnomAD no frequency). This variant has not been reported in the literature in individuals affected with KIF1B-related conditions. Advanced modeling of protein sequence and biophysical properties (such as structural, functional, and spatial information, amino acid conservation, physicochemical variation, residue mobility, and thermodynamic stability) has been performed at Invitae for this missense variant, however the output from this modeling did not meet the statistical confidence thresholds required to predict the impact of this variant on KIF1B protein function. In summary, the available evidence is currently insufficient to determine the role of this variant in disease. Therefore, it has been classified as a Variant of Uncertain Significance.

NM_001365951.3(KIF1B):c.560C>T (p.Thr187Ile)

Gene: KIF1B (kinesin family member 1B; plus strand). Cytogenetic location: 1p36.22.
Variant type: single nucleotide variant.
Coding change: c.560C>T on transcript NM_001365951.3 (MANE Select); coding-DNA position 560, C replaced by T.
Protein change: p.Thr187Ile; replaces threonine 187 with isoleucine.
Molecular consequence: missense variant.
Genome position (GRCh38, 1-based): chr1:10,267,510, C>T. VCF-style: chr1-10267510-C-T. GRCh37 (hg19) VCF-style: chr1-10327568-C-T.
Other names: c.560C>T, p.Thr187Ile (NM_001365952.1, NM_001365953.1, NM_015074.3 and 1 more transcripts); short protein forms T187I.
Identifiers: ClinVar variation 3533874 (VCV003533874.3).